The following is an entry in ClinVar:

ClinVar aggregate classification (germline): Uncertain significance (1 of 4 stars; one submission).

Allele frequency attached by ClinVar (database versions not stated): gnomAD exomes below 0.00001; gnomAD 0.00001 and 0.00002; TOPMed 0.00001.
gnomAD v4.1: 6 of 1,612,618 alleles (0.00037%); highest among the groups gnomAD compares: African/African-American, 0.0067%; no homozygotes.

Submission:

Labcorp Genetics (formerly Invitae), Labcorp
Classification: Uncertain significance. Last evaluated: 2023-08-24. Review status: criteria provided, single submitter. Criteria: Invitae Variant Classification Sherloc (09022015). Collection method: clinical testing. Allele origin: germline.
Comment: In summary, the available evidence is currently insufficient to determine the role of this variant in disease. Therefore, it has been classified as a Variant of Uncertain Significance. An algorithm developed to predict the effect of missense changes on protein structure and function (PolyPhen-2) suggests that this variant is likely to be tolerated. ClinVar contains an entry for this variant (Variation ID: 1475605). This variant has not been reported in the literature in individuals affected with RAB28-related conditions. This variant is not present in population databases (gnomAD no frequency). This sequence change replaces glutamic acid, which is acidic and polar, with glycine, which is neutral and non-polar, at codon 205 of the RAB28 protein (p.Glu205Gly).

NM_004249.4(RAB28):c.614A>G (p.Glu205Gly)

Gene: RAB28 (RAB28, member RAS oncogene family; minus strand). Cytogenetic location: 4p15.33.
Variant type: single nucleotide variant.
Coding change: c.614A>G on transcript NM_004249.4 (MANE Plus Clinical); coding-DNA position 614, A replaced by G.
Protein change: p.Glu205Gly; replaces glutamic acid 205 with glycine.
Molecular consequence: missense variant. On other transcripts: intron variant (2).
Genome position (GRCh38, 1-based): chr4:13,369,925, T>C on the plus strand (A>G on the coding strand, the complement: RAB28 is on the minus strand). VCF-style: chr4-13369925-T-C. GRCh37 (hg19) VCF-style: chr4-13371549-T-C.
Other names: c.574-1275A>G (NM_001017979.3); c.*32-1275A>G (NM_001159601.2); short protein forms E205G.
Identifiers: ClinVar variation 1475605 (VCV001475605.8), dbSNP rs932466353, ClinGen allele CA93323607.